The following is an entry in ClinVar:

ClinVar aggregate classification (germline): Pathogenic (1 of 4 stars; one submission).

Submission:

Labcorp Genetics (formerly Invitae), Labcorp
Classification: Pathogenic. Last evaluated: 2025-05-12. Review status: criteria provided, single submitter. Criteria: Invitae Variant Classification Sherloc (09022015). Collection method: clinical testing. Allele origin: germline.
Comment: This sequence change creates a premature translational stop signal (p.Thr141Argfs*5) in the CHM gene. It is expected to result in an absent or disrupted protein product. Loss-of-function variants in CHM are known to be pathogenic (PMID: 9067750, 23811034). This variant is not present in population databases (gnomAD no frequency). This variant has not been reported in the literature in individuals affected with CHM-related conditions. For these reasons, this variant has been classified as Pathogenic.

Literature cited by the submitters: PubMed 9067750; PubMed 23811034.

NM_000390.4(CHM):c.420_423del (p.Thr141fs)

Genes: CHM (CHM Rab escort protein; minus strand), LOC129391306 (MPRA-validated peak7401 silencer; plus strand). Cytogenetic location: Xq21.2.
Variant type: Deletion.
Coding change: c.420_423del on transcript NM_000390.4 (MANE Select); coding-DNA positions 420 to 423, 4 bases deleted (TACG; older notation c.420_423delTACG).
Protein change: p.Thr141fs; shifts the reading frame from threonine 141.
Molecular consequence: frameshift variant. On other transcripts: 5 prime UTR variant (4).
Genome position (GRCh38, 1-based): chrX:85,963,944-85,963,947, CGTA deleted on the plus strand (TACG on the coding strand, the reverse complement: CHM is on the minus strand). VCF-style (leftmost placement, unchanged base first): chrX-85963943-CCGTA-C. GRCh37 (hg19) VCF-style: chrX-85218948-CCGTA-C.
Other names: c.-25_-22del (NM_001320959.1, NM_001362517.1, NM_001362518.2 and 1 more transcripts); short protein forms T141fs.
Identifiers: ClinVar variation 4719442 (VCV004719442.1).